The following is an entry in ClinVar:

ClinVar aggregate classification (germline): Uncertain significance (1 of 4 stars; one submission).

Conditions:
Neurofibromatosis, type 1 (NF1). Also called: Neurofibromatosis, type I; Peripheral type neurofibromatosis; VON RECKLINGHAUSEN DISEASE; NEUROFIBROMATOSIS, TYPE I, SOMATIC. Identifiers: Orphanet 636, MedGen C0027831, MONDO:0018975, OMIM 162200. Disease mechanism: loss of function.

Submission:

Labcorp Genetics (formerly Invitae), Labcorp
Classification: Uncertain significance for Neurofibromatosis, type 1. Last evaluated: 2021-08-19. Review status: criteria provided, single submitter. Criteria: Invitae Variant Classification Sherloc (09022015). Collection method: clinical testing. Allele origin: germline.
Comment: In summary, the available evidence is currently insufficient to determine the role of this variant in disease. Therefore, it has been classified as a Variant of Uncertain Significance. This sequence change replaces serine with leucine at codon 2649 of the NF1 protein (p.Ser2649Leu). The serine residue is moderately conserved and there is a large physicochemical difference between serine and leucine. This variant is not present in population databases (ExAC no frequency). This variant has not been reported in the literature in individuals affected with NF1-related conditions. Algorithms developed to predict the effect of missense changes on protein structure and function are either unavailable or do not agree on the potential impact of this missense change (SIFT: "Deleterious"; PolyPhen-2: "Benign"; Align-GVGD: "Class C0").

NM_001042492.3(NF1):c.8009C>T (p.Ser2670Leu)

Gene: NF1 (neurofibromin 1; plus strand). Cytogenetic location: 17q11.2.
Variant type: single nucleotide variant.
Coding change: c.8009C>T on transcript NM_001042492.3 (MANE Select); coding-DNA position 8009, C replaced by T.
Protein change: p.Ser2670Leu; replaces serine 2670 with leucine.
Molecular consequence: missense variant.
Genome position (GRCh38, 1-based): chr17:31,358,518, C>T. VCF-style: chr17-31358518-C-T. GRCh37 (hg19) VCF-style: chr17-29685536-C-T.
Other names: c.7946C>T, p.Ser2649Leu (NM_000267.4); short protein forms S2670L, S2649L.
Identifiers: ClinVar variation 1513918 (VCV001513918.6), dbSNP rs1131691074, ClinGen allele CA399203667.